The following is an entry in ClinVar:

NM_002775.5(HTRA1):c.632A>C (p.Glu211Ala)

Gene: HTRA1 (HtrA serine peptidase 1; plus strand). Cytogenetic location: 10q26.13.
Variant type: single nucleotide variant.
Coding change: c.632A>C on transcript NM_002775.5 (MANE Select); coding-DNA position 632, A replaced by C.
Protein change: p.Glu211Ala; replaces glutamic acid 211 with alanine.
Molecular consequence: missense variant.
Genome position (GRCh38, 1-based): chr10:122,489,481, A>C. VCF-style: chr10-122489481-A-C. GRCh37 (hg19) VCF-style: chr10-124248997-A-C.
Other names: short protein forms E211A.
Identifiers: ClinVar variation 2972675 (VCV002972675.3), dbSNP rs2497622789, ClinGen allele CA378580981.

ClinVar aggregate classification (germline): Uncertain significance (1 of 4 stars; one submission).

Allele frequency attached by ClinVar (database versions not stated): gnomAD exomes below 0.00001.
gnomAD v4.1: 2 of 1,614,160 alleles (0.00012%); highest among the groups gnomAD compares: Non-Finnish European, 0.000085%; no homozygotes.

Submission:

Labcorp Genetics (formerly Invitae), Labcorp
Classification: Uncertain significance. Last evaluated: 2025-11-17. Review status: criteria provided, single submitter. Criteria: Invitae Variant Classification Sherloc (09022015). Collection method: clinical testing. Allele origin: germline.
Comment: This sequence change replaces glutamic acid, which is acidic and polar, with alanine, which is neutral and non-polar, at codon 211 of the HTRA1 protein (p.Glu211Ala). This variant is not present in population databases (gnomAD no frequency). This missense change has been observed in individual(s) with clinical features of HTRA1-related conditions (PMID: 31719132). ClinVar contains an entry for this variant (Variation ID: 2972675). Invitae Evidence Modeling of protein sequence and biophysical properties (such as structural, functional, and spatial information, amino acid conservation, physicochemical variation, residue mobility, and thermodynamic stability) indicates that this missense variant is not expected to disrupt HTRA1 protein function with a negative predictive value of 95%. Experimental studies have shown that this missense change affects HTRA1 function (PMID: 39196222). Algorithms developed to predict the effect of sequence changes on RNA splicing suggest that this variant may disrupt the consensus splice site. In summary, the available evidence is currently insufficient to determine the role of this variant in disease. Therefore, it has been classified as a Variant of Uncertain Significance.

Literature cited by the submitters: PubMed 31719132; PubMed 39196222.